The following is an entry in ClinVar:

NM_000055.4(BCHE):c.598C>G (p.Gln200Glu)

Gene: BCHE (butyrylcholinesterase; minus strand). Cytogenetic location: 3q26.1.
Variant type: single nucleotide variant.
Coding change: c.598C>G on transcript NM_000055.4 (MANE Select); coding-DNA position 598, C replaced by G.
Protein change: p.Gln200Glu; replaces glutamine 200 with glutamic acid.
Molecular consequence: missense variant. On other transcripts: non-coding transcript variant (1).
Genome position (GRCh38, 1-based): chr3:165,830,436, G>C on the plus strand (C>G on the coding strand, the complement: BCHE is on the minus strand). VCF-style: chr3-165830436-G-C. GRCh37 (hg19) VCF-style: chr3-165548224-G-C.
Other names: short protein forms Q200E.
Identifiers: ClinVar variation 5001072 (VCV005001072.1).

ClinVar aggregate classification (germline): Uncertain significance (1 of 4 stars; one submission).

Conditions:
BCHE-related disorder. Also called: BCHE-related condition.

gnomAD v4.1: 13 of 1,613,800 alleles (0.00081%); highest among the groups gnomAD compares: Non-Finnish European, 0.0011%; no homozygotes.

Submission:

PreventionGenetics, part of Exact Sciences
Classification: Uncertain significance for BCHE-related condition. Last evaluated: 2025-05-22. Review status: criteria provided, single submitter. Criteria: ACMG Guidelines, 2015. Collection method: clinical testing. Allele origin: germline.
Comment: The BCHE c.598C>G variant is predicted to result in the amino acid substitution p.Gln200Glu. To our knowledge, this variant has not been reported in the literature or in a large population database (gnomAD), indicating this variant is rare. At this time, the clinical significance of this variant is uncertain due to the absence of conclusive functional and genetic evidence.